The following is an entry in ClinVar:

ClinVar aggregate classification (germline): Uncertain significance (1 of 4 stars; one submission).

Conditions:
Moyamoya disease with early-onset achalasia (MYMY6). Also called: MOYAMOYA DISEASE 6 WITH OR WITHOUT ACHALASIA. Identifiers: Orphanet 401945, MedGen C3810403, MONDO:0014331, OMIM 615750.

Allele frequency attached by ClinVar (database versions not stated): TOPMed 0.00004.
gnomAD v4.1: 35 of 1,613,692 alleles (0.0022%); highest among the groups gnomAD compares: Admixed American, 0.02%; no homozygotes.

Submission:

Baylor Genetics
Classification: Uncertain significance for Moyamoya disease with early-onset achalasia. Last evaluated: 2018-07-09. Review status: criteria provided, single submitter. Criteria: ACMG Guidelines, 2015. Collection method: clinical testing. Allele origin: maternal. Affected: yes.
Comment: This variant was determined to be of uncertain significance according to ACMG Guidelines, 2015 [PMID:25741868].

NM_001130682.3(GUCY1A1):c.1535G>A (p.Arg512His)

Gene: GUCY1A1 (guanylate cyclase 1 soluble subunit alpha 1; plus strand). Cytogenetic location: 4q32.1.
Variant type: single nucleotide variant.
Coding change: c.1535G>A on transcript NM_001130682.3 (MANE Select); coding-DNA position 1535, G replaced by A.
Protein change: p.Arg512His; replaces arginine 512 with histidine.
Molecular consequence: missense variant.
Genome position (GRCh38, 1-based): chr4:155,713,546, G>A. VCF-style: chr4-155713546-G-A. GRCh37 (hg19) VCF-style: chr4-156634698-G-A.
Other names: c.1535G>A, p.Arg512His (NM_000856.6, NM_001130683.4, NM_001130684.3 and 12 more transcripts); c.830G>A, p.Arg277His (NM_001130685.3); c.1028G>A, p.Arg343His (NM_001379676.1); short protein forms R343H, R277H, R512H.
Identifiers: ClinVar variation 1031673 (VCV001031673.1), dbSNP rs369215353, ClinGen allele CA3117394.